The following is an entry in ClinVar:

NM_000260.4(MYO7A):c.1622C>G (p.Pro541Arg)

Gene: MYO7A (myosin VIIA; plus strand). Cytogenetic location: 11q13.5.
Variant type: single nucleotide variant.
Coding change: c.1622C>G on transcript NM_000260.4 (MANE Select); coding-DNA position 1622, C replaced by G.
Protein change: p.Pro541Arg; replaces proline 541 with arginine.
Molecular consequence: missense variant.
Genome position (GRCh38, 1-based): chr11:77,162,920, C>G. VCF-style: chr11-77162920-C-G. GRCh37 (hg19) VCF-style: chr11-76873966-C-G.
Other names: c.1622C>G, p.Pro541Arg (NM_001127180.2); c.1589C>G, p.Pro530Arg (NM_001369365.1); short protein forms P530R, P541R.
Identifiers: ClinVar variation 1312700 (VCV001312700.8), dbSNP rs369301423, ClinGen allele CA6197537.

ClinVar aggregate classification (germline): Uncertain significance. Review status: criteria provided, multiple submitters, no conflicts (2 of 4 stars). 3 submissions from 3 submitters: Uncertain significance (3). Last evaluated 2026-08-27.

Conditions:
Usher syndrome type 1 (USH1). Also called: RETINITIS PIGMENTOSA AND CONGENITAL DEAFNESS. Identifiers: Orphanet 231169, Orphanet 886, MedGen C1568247, MONDO:0010168, OMIM 276900.
Autosomal dominant nonsyndromic hearing loss 11. Identifiers: Orphanet 90635, MedGen C1832475, MONDO:0011032, OMIM 601317.
Autosomal recessive nonsyndromic hearing loss 2. Also called: DEAFNESS, AUTOSOMAL RECESSIVE 2; NEUROSENSORY NONSYNDROMIC RECESSIVE DEAFNESS 2. Identifiers: Orphanet 90636, MedGen C1838701, MONDO:0010807, OMIM 600060.
Retinitis pigmentosa (RP). Identifiers: Orphanet 791, MedGen C0035334, MeSH D012174, MONDO:0019200, OMIM 268000. Inheritance: Autosomal dominant, autosomal recessive and X linked inheritance.

Allele frequency attached by ClinVar (database versions not stated): ESP Exome Variant Server 0.00008.
gnomAD v4.1: 28 of 1,613,708 alleles (0.0017%); highest among the groups gnomAD compares: African/African-American, 0.0027%; 1 homozygote.

Submissions (3):

GeneDx
Classification: Uncertain significance. Last evaluated: 2026-08-27. Review status: criteria provided, single submitter. Criteria: GeneDx Variant Classification Process June 2021. Collection method: clinical testing. Allele origin: germline.
Comment: In silico analysis supports that this missense variant has a deleterious effect on protein structure/function; Has not been previously published as pathogenic or benign to our knowledge

Labcorp Genetics (formerly Invitae), Labcorp
Classification: Uncertain significance. Last evaluated: 2024-05-16. Review status: criteria provided, single submitter. Criteria: Invitae Variant Classification Sherloc (09022015). Collection method: clinical testing. Allele origin: germline.
Comment: This sequence change replaces proline, which is neutral and non-polar, with arginine, which is basic and polar, at codon 541 of the MYO7A protein (p.Pro541Arg). This variant is present in population databases (rs369301423, gnomAD 0.003%). This variant has not been reported in the literature in individuals affected with MYO7A-related conditions. ClinVar contains an entry for this variant (Variation ID: 1312700). Advanced modeling of protein sequence and biophysical properties (such as structural, functional, and spatial information, amino acid conservation, physicochemical variation, residue mobility, and thermodynamic stability) has been performed at Invitae for this missense variant, however the output from this modeling did not meet the statistical confidence thresholds required to predict the impact of this variant on MYO7A protein function. In summary, the available evidence is currently insufficient to determine the role of this variant in disease. Therefore, it has been classified as a Variant of Uncertain Significance.

Blueprint Genetics
Classification: Uncertain significance. Last evaluated: 2022-05-18. Review status: criteria provided, single submitter. Criteria: ACMG Guidelines, 2015. Collection method: clinical testing. Allele origin: germline.